The following is an entry in ClinVar:

ClinVar aggregate classification (germline): Benign (1 of 4 stars; one submission).

Conditions:
Lethal polymalformative syndrome, Boissel type. Also called: GROWTH RETARDATION, DEVELOPMENTAL DELAY, AND FACIAL DYSMORPHISM. Identifiers: Orphanet 210144, MedGen C2752001, MONDO:0013050, OMIM 612938.

Allele frequency attached by ClinVar (database versions not stated): gnomAD 0.00952; TOPMed 0.01023; 1000 Genomes Project 0.01298; 1000 Genomes Project 30x 0.01421.

Submission:

Illumina Laboratory Services, Illumina
Classification: Benign for Lethal polymalformative syndrome, Boissel type. Last evaluated: 2018-01-13. Review status: criteria provided, single submitter. Criteria: ICSL Variant Classification Criteria 13 December 2019. Collection method: clinical testing. Allele origin: germline.
Comment: This variant was observed in the ICSL laboratory as part of a predisposition screen in an ostensibly healthy population. It had not been previously curated by ICSL or reported in the Human Gene Mutation Database (HGMD: prior to June 1st, 2018), and was therefore a candidate for classification through an automated scoring system. Utilizing variant allele frequency, disease prevalence and penetrance estimates, and inheritance mode, an automated score was calculated to assess if this variant is too frequent to cause the disease. Based on the score and internal cut-off values, a variant classified as benign is not then subjected to further curation. The score for this variant resulted in a classification of benign for this disease.

NM_001080432.3(FTO):c.*1082G>A

Gene: FTO (FTO alpha-ketoglutarate dependent dioxygenase; plus strand). Cytogenetic location: 16q12.2.
Variant type: single nucleotide variant.
Coding change: c.*1082G>A on transcript NM_001080432.3 (MANE Select); 1082 bases downstream of the stop codon, G replaced by A.
Molecular consequence: 3 prime UTR variant.
Genome position (GRCh38, 1-based): chr16:54,112,997, G>A. VCF-style: chr16-54112997-G-A. GRCh37 (hg19) VCF-style: chr16-54146909-G-A.
Other names: c.*1082G>A (NM_001363891.2, NM_001363894.2, NM_001363896.2 and 6 more transcripts); c.*1200G>A (NM_001363903.2); c.*1258G>A (NM_001363988.2).
Identifiers: ClinVar variation 319706 (VCV000319706.5), dbSNP rs73625209, ClinGen allele CA10648571.